The following is an entry in ClinVar:

ClinVar aggregate classification (germline): Uncertain significance (1 of 4 stars; one submission).

Conditions:
Autosomal recessive severe congenital neutropenia due to JAGN1 deficiency. Also called: Severe congenital neutropenia 6, autosomal recessive. Identifiers: Orphanet 423384, MedGen C4014954, MONDO:0014456, OMIM 616022.

Submission:

Labcorp Genetics (formerly Invitae), Labcorp
Classification: Uncertain significance for Autosomal recessive severe congenital neutropenia due to JAGN1 deficiency. Last evaluated: 2022-03-18. Review status: criteria provided, single submitter. Criteria: Invitae Variant Classification Sherloc (09022015). Collection method: clinical testing. Allele origin: germline.
Comment: This sequence change replaces leucine, which is neutral and non-polar, with phenylalanine, which is neutral and non-polar, at codon 169 of the JAGN1 protein (p.Leu169Phe). This variant is not present in population databases (gnomAD no frequency). This variant has not been reported in the literature in individuals affected with JAGN1-related conditions. Algorithms developed to predict the effect of missense changes on protein structure and function are either unavailable or do not agree on the potential impact of this missense change (SIFT: "Deleterious"; PolyPhen-2: "Probably Damaging"; Align-GVGD: "Class C0"). In summary, the available evidence is currently insufficient to determine the role of this variant in disease. Therefore, it has been classified as a Variant of Uncertain Significance.

NM_032492.4(JAGN1):c.505C>T (p.Leu169Phe)

Gene: JAGN1 (jagunal vesicle mediated transporter 1; plus strand). Cytogenetic location: 3p25.3.
Variant type: single nucleotide variant.
Coding change: c.505C>T on transcript NM_032492.4 (MANE Select); coding-DNA position 505, C replaced by T.
Protein change: p.Leu169Phe; replaces leucine 169 with phenylalanine.
Molecular consequence: missense variant.
Genome position (GRCh38, 1-based): chr3:9,893,330, C>T. VCF-style: chr3-9893330-C-T. GRCh37 (hg19) VCF-style: chr3-9935014-C-T.
Other names: c.343C>T, p.Leu115Phe (NM_001363890.1); short protein forms L169F, L115F.
Identifiers: ClinVar variation 2113620 (VCV002113620.4), dbSNP rs2469944783, ClinGen allele CA351717192.